The following is an entry in ClinVar:

ClinVar aggregate classification (germline): Likely benign (1 of 4 stars; one submission).

Submission:

GeneDx
Classification: Likely benign. Last evaluated: 2013-02-26. Review status: criteria provided, single submitter. Criteria: GeneDx Variant Classification (06012015). Collection method: clinical testing. Allele origin: germline. Affected: yes.
Comment: This variant is considered likely benign or benign based on one or more of the following criteria: it is a conservative change, it occurs at a poorly conserved position in the protein, it is predicted to be benign by multiple in silico algorithms, and/or has population frequency not consistent with disease.

NM_000742.4(CHRNA2):c.1181G>C (p.Arg394Pro)

Gene: CHRNA2 (cholinergic receptor nicotinic alpha 2 subunit; minus strand). Cytogenetic location: 8p21.2.
Variant type: single nucleotide variant.
Coding change: c.1181G>C on transcript NM_000742.4 (MANE Select); coding-DNA position 1181, G replaced by C.
Protein change: p.Arg394Pro; replaces arginine 394 with proline.
Molecular consequence: missense variant.
Genome position (GRCh38, 1-based): chr8:27,463,262, C>G on the plus strand (G>C on the coding strand, the complement: CHRNA2 is on the minus strand). VCF-style: chr8-27463262-C-G. GRCh37 (hg19) VCF-style: chr8-27320779-C-G.
Other names: p.R394P:CGC>CCC; c.1136G>C, p.Arg379Pro (NM_001282455.2); c.704G>C, p.Arg235Pro (NM_001347705.2, NM_001347706.2); c.587G>C, p.Arg196Pro (NM_001347707.2, NM_001347708.2); short protein forms R394P, R379P, R235P, R196P.
Identifiers: ClinVar variation 204947 (VCV000204947.1), dbSNP rs761054762, ClinGen allele CA313417.